The following is an entry in ClinVar:

NM_004958.4(MTOR):c.5451G>T (p.Leu1817=)

Gene: MTOR (mechanistic target of rapamycin kinase; minus strand). Cytogenetic location: 1p36.22.
Variant type: single nucleotide variant.
Coding change: c.5451G>T on transcript NM_004958.4 (MANE Select); coding-DNA position 5451, G replaced by T.
Protein change: p.Leu1817=; no amino-acid change (leucine 1817 retained).
Molecular consequence: synonymous variant.
Genome position (GRCh38, 1-based): chr1:11,130,691, C>A on the plus strand (G>T on the coding strand, the complement: MTOR is on the minus strand). VCF-style: chr1-11130691-C-A. GRCh37 (hg19) VCF-style: chr1-11190748-C-A.
Other names: c.5451G>T, p.Leu1817= (NM_001386500.1); c.4203G>T, p.Leu1401= (NM_001386501.1).
Identifiers: ClinVar variation 2578562 (VCV002578562.25), dbSNP rs2100432149, ClinGen allele CA416041690.

ClinVar aggregate classification (germline): Likely benign (1 of 4 stars; one submission).

Submission:

CeGaT Center for Human Genetics Tuebingen
Classification: Likely benign. Last evaluated: 2023-08-01. Review status: criteria provided, single submitter. Criteria: CeGaT Center For Human Genetics Tuebingen Variant Classification Criteria Version 2. Collection method: clinical testing. Allele origin: germline. Affected: yes. Observed: 1 variant allele.
Comment: MTOR: PM2:Supporting, BP4, BP7